The following is an entry in ClinVar:

NM_007294.4(BRCA1):c.191G>C (p.Cys64Ser)

Gene: BRCA1 (BRCA1 DNA repair associated; minus strand). Cytogenetic location: 17q21.31.
Variant type: single nucleotide variant.
Coding change: c.191G>C on transcript NM_007294.4 (MANE Select); coding-DNA position 191, G replaced by C.
Protein change: p.Cys64Ser; replaces cysteine 64 with serine.
Molecular consequence: missense variant.
Genome position (GRCh38, 1-based): chr17:43,106,477, C>G on the plus strand (G>C on the coding strand, the complement: BRCA1 is on the minus strand). VCF-style: chr17-43106477-C-G. GRCh37 (hg19) VCF-style: chr17-41258494-C-G.
Other names: c.191G>C, p.Cys64Ser (NM_001407581.1, NM_001407582.1, NM_001407583.1 and 168 more transcripts); c.50G>C, p.Cys17Ser (NM_001407692.1, NM_001407694.1, NM_001407695.1 and 99 more transcripts); short protein forms C64S, C17S.
Identifiers: ClinVar variation 462571 (VCV000462571.15), dbSNP rs55851803, ClinGen allele CA10601786.

ClinVar aggregate classification (germline): Pathogenic/Likely pathogenic. Review status: criteria provided, multiple submitters, no conflicts (2 of 4 stars). 2 submissions from 2 submitters: Pathogenic (1); Likely pathogenic (1). Last evaluated 2026-01-28.

Conditions:
Hereditary cancer-predisposing syndrome. Also called: Neoplastic Syndromes, Hereditary; Hereditary neoplastic syndrome; Tumor predisposition; Hereditary Cancer Syndrome. Identifiers: Orphanet 140162, MedGen C0027672, MeSH D009386, MONDO:0015356.
Hereditary breast ovarian cancer syndrome. Also called: Hereditary breast and ovarian cancer syndrome (HBOC); BRCA1- and BRCA2-Associated Hereditary Breast and Ovarian Cancer; Hereditary breast and/or ovarian cancer syndrome; Hereditary breast and ovarian cancer syndrome; Hereditary breast and ovarian cancer; Breast and ovarian cancer. Identifiers: Orphanet 145, MedGen C0677776, MeSH D061325, MONDO:0003582. Disease mechanism: loss of function.

Submissions (3):

Labcorp Genetics (formerly Invitae), Labcorp
Classification: Pathogenic for Hereditary breast ovarian cancer syndrome. Last evaluated: 2026-01-28. Review status: criteria provided, single submitter. Criteria: Invitae Variant Classification Sherloc (09022015). Collection method: clinical testing. Allele origin: germline.
Comment: This sequence change replaces cysteine, which is neutral and slightly polar, with serine, which is neutral and polar, at codon 64 of the BRCA1 protein (p.Cys64Ser). This variant is not present in population databases (gnomAD no frequency). This missense change has been observed in individual(s) with a personal or family history of breast and/or ovarian cancer (PMID: 29752822). ClinVar contains an entry for this variant (Variation ID: 462571). Invitae Evidence Modeling incorporating data from in vitro experimental studies (PMID: 30209399) indicates that this missense variant is expected to disrupt BRCA1 function with a positive predictive value of 95%. Experimental studies have shown that this missense change affects BRCA1 function (PMID: 22843421, 30209399). This variant disrupts the p.Cys64 amino acid residue in BRCA1. Other variant(s) that disrupt this residue have been determined to be pathogenic (PMID: 7894491, 11320250, 15131401, 23867111, 24516540, 26246475, 27257965, 29446198). This suggests that this residue is clinically significant, and that variants that disrupt this residue are likely to be disease-causing. For these reasons, this variant has been classified as Pathogenic.

Ambry Genetics
Classification: Likely pathogenic for Hereditary cancer-predisposing syndrome. Last evaluated: 2025-03-04. Review status: criteria provided, single submitter. Criteria: Ambry Variant Classification Scheme 2023. Collection method: clinical testing. Allele origin: germline.
Comment: The p.C64S variant (also known as c.191G>C), located in coding exon 3 of the BRCA1 gene, results from a G to C substitution at nucleotide position 191. The cysteine at codon 64 is replaced by serine, an amino acid with dissimilar properties. One functional study found that this nucleotide substitution is non-functional in a high throughput genome editing haploid cell survival assay (Findlay GM et al. Nature, 2018 Oct;562:217-222). This variant was identified in a cohort of 882 Chinese individuals with a personal and/or family history of breast or ovarian cancers who underwent multi-gene panel testing for HBOC risk assessment (Shao D et al. Cancer Sci, 2020 Feb;111:647-657). This amino acid position is highly conserved in available vertebrate species. In addition, this alteration is predicted to be deleterious by in silico analysis. This variant is considered to be rare based on population cohorts in the Genome Aggregation Database (gnomAD). Based on the majority of available evidence to date, this variant is likely to be pathogenic.

Brotman Baty Institute, University of Washington
No classification provided (evidence only). Condition: Breast-ovarian cancer, familial 1. Review status: no classification provided. Collection method: in vitro. Allele origin: not applicable. Functional consequence: functionally_abnormal. Not counted in ClinVar's aggregate classification.
ClinVar note: "not provided" was previously submitted as the classification for the variant. However, the classification appeared to be based only on an observation of functional data so it was converted to no classification on 2025-07-30.

Literature cited by the submitters: PubMed 29752822 (cited by Labcorp Genetics (formerly Invitae), Labcorp); PubMed 30209399 (cited by Labcorp Genetics (formerly Invitae), Labcorp and Ambry Genetics); PubMed 22843421 (cited by Labcorp Genetics (formerly Invitae), Labcorp); PubMed 7894491 (cited by Labcorp Genetics (formerly Invitae), Labcorp); PubMed 11320250 (cited by Labcorp Genetics (formerly Invitae), Labcorp); PubMed 15131401 (cited by Labcorp Genetics (formerly Invitae), Labcorp); PubMed 23867111 (cited by Labcorp Genetics (formerly Invitae), Labcorp); PubMed 24516540 (cited by Labcorp Genetics (formerly Invitae), Labcorp); PubMed 26246475 (cited by Labcorp Genetics (formerly Invitae), Labcorp); PubMed 27257965 (cited by Labcorp Genetics (formerly Invitae), Labcorp); PubMed 29446198 (cited by Labcorp Genetics (formerly Invitae), Labcorp); PubMed 31742824 (cited by Ambry Genetics).